The following is an entry in ClinVar:

ClinVar aggregate classification (germline): Benign/Likely benign. Review status: criteria provided, multiple submitters, no conflicts (2 of 4 stars). 5 submissions from 5 submitters: Benign (1); Likely benign (4). Last evaluated 2026-01-26.

Conditions:
Xeroderma pigmentosum, group C (XPC). Also called: XERODERMA PIGMENTOSUM III; XP, GROUP C; Xeroderma pigmentosum, complementation group C; XPC-Related Xeroderma Pigmentosum. Identifiers: Orphanet 910, MedGen C2752147, MONDO:0010211, OMIM 278720.
Xeroderma pigmentosum (XP). Identifiers: Orphanet 910, MedGen C0043346, MONDO:0019600.

Allele frequency attached by ClinVar (database versions not stated): ExAC 0.00045; gnomAD 0.00119 and 0.00123; TOPMed 0.00148; ESP Exome Variant Server 0.00155; 1000 Genomes Project 30x 0.00172; 1000 Genomes Project 0.00180.
gnomAD v4.1: 425 of 1,613,868 alleles (0.026%); highest among the groups gnomAD compares: African/African-American, 0.39%; 3 homozygotes.

Submissions (5):

Labcorp Genetics (formerly Invitae), Labcorp
Classification: Benign. Last evaluated: 2026-01-26. Review status: criteria provided, single submitter. Criteria: Invitae Variant Classification Sherloc (09022015). Collection method: clinical testing. Allele origin: germline.

Blueprint Genetics
Classification: Likely benign. Last evaluated: 2024-10-02. Review status: criteria provided, single submitter. Criteria: ACMG Guidelines, 2015. Collection method: clinical testing. Allele origin: germline.

CeGaT Center for Human Genetics Tuebingen
Classification: Likely benign. Last evaluated: 2022-03-01. Review status: criteria provided, single submitter. Criteria: CeGaT Center For Human Genetics Tuebingen Variant Classification Criteria Version 2. Collection method: clinical testing. Allele origin: germline. Affected: yes. Observed: 1 variant allele.
Comment: XPC: BP4, BP7

Fulgent Genetics
Classification: Likely benign for Xeroderma pigmentosum, group C. Last evaluated: 2022-01-18. Review status: criteria provided, single submitter. Criteria: ACMG Guidelines, 2015. Collection method: clinical testing. Allele origin: unknown.

Sema4
Classification: Likely benign for Xeroderma pigmentosum. Last evaluated: 2021-01-26. Review status: criteria provided, single submitter. Criteria: Sema4 Curation Guidelines. Collection method: curation. Allele origin: germline.

NM_004628.5(XPC):c.1497G>A (p.Ala499=)

Gene: XPC (XPC complex subunit, DNA damage recognition and repair factor; minus strand). Cytogenetic location: 3p25.1.
Variant type: single nucleotide variant.
Coding change: c.1497G>A on transcript NM_004628.5 (MANE Select); coding-DNA position 1497, G replaced by A.
Protein change: p.Ala499=; no amino-acid change (alanine 499 retained).
Molecular consequence: synonymous variant. On other transcripts: non-coding transcript variant (2).
Genome position (GRCh38, 1-based): chr3:14,158,386, C>T on the plus strand (G>A on the coding strand, the complement: XPC is on the minus strand). VCF-style: chr3-14158386-C-T. GRCh37 (hg19) VCF-style: chr3-14199886-C-T.
Other names: c.918G>A, p.Ala306= (NM_001354726.2); c.1497G>A, p.Ala499= (NM_001354727.2, NM_001354730.2); c.1479G>A, p.Ala493= (NM_001354729.2).
Identifiers: ClinVar variation 785035 (VCV000785035.36), dbSNP rs150344169, ClinGen allele CA2267423.
Genomic context (GRCh38, chr3:14,158,386, plus strand): 5'-CTTCTCACCATCGCTGCACATTTTCTTGCCTCTTTTACTGCTTGAAGAGCTTGAGGATGC[C>T]GCTGGCAAGCTTGGGTCCTTACGATGGCTCCCACGATGGGTCCTGGAGGCACTCTTGGAC-3'
Protein context (NP_004619.3, residues 489-509): GSHRKDPSLP[Ala499=]ASSSSSSSKR